The following is an entry in ClinVar:

NM_001089.3(ABCA3):c.2434A>G (p.Lys812Glu)

Gene: ABCA3 (ATP binding cassette subfamily A member 3; minus strand). Cytogenetic location: 16p13.3.
Variant type: single nucleotide variant.
Coding change: c.2434A>G on transcript NM_001089.3 (MANE Select); coding-DNA position 2434, A replaced by G.
Protein change: p.Lys812Glu; replaces lysine 812 with glutamic acid.
Molecular consequence: missense variant.
Genome position (GRCh38, 1-based): chr16:2,292,219, T>C on the plus strand (A>G on the coding strand, the complement: ABCA3 is on the minus strand). VCF-style: chr16-2292219-T-C. GRCh37 (hg19) VCF-style: chr16-2342220-T-C.
Other names: short protein forms K812E.
Identifiers: ClinVar variation 1371873 (VCV001371873.5), dbSNP rs2093673183, ClinGen allele CA394327477.

ClinVar aggregate classification (germline): Uncertain significance (1 of 4 stars; one submission).

Allele frequency attached by ClinVar (database versions not stated): gnomAD exomes below 0.00001; TOPMed below 0.00001.
gnomAD v4.1: 2 of 1,613,844 alleles (0.00012%); highest among the groups gnomAD compares: Admixed American, 0.0017%; no homozygotes.

Submission:

Labcorp Genetics (formerly Invitae), Labcorp
Classification: Uncertain significance. Last evaluated: 2025-01-13. Review status: criteria provided, single submitter. Criteria: Invitae Variant Classification Sherloc (09022015). Collection method: clinical testing. Allele origin: germline.
Comment: This sequence change replaces lysine, which is basic and polar, with glutamic acid, which is acidic and polar, at codon 812 of the ABCA3 protein (p.Lys812Glu). This variant is not present in population databases (gnomAD no frequency). This variant has not been reported in the literature in individuals affected with ABCA3-related conditions. ClinVar contains an entry for this variant (Variation ID: 1371873). Invitae Evidence Modeling of protein sequence and biophysical properties (such as structural, functional, and spatial information, amino acid conservation, physicochemical variation, residue mobility, and thermodynamic stability) indicates that this missense variant is not expected to disrupt ABCA3 protein function with a negative predictive value of 80%. In summary, the available evidence is currently insufficient to determine the role of this variant in disease. Therefore, it has been classified as a Variant of Uncertain Significance.